The following is an entry in ClinVar:

NM_001429.4(EP300):c.716C>A (p.Pro239His)

Gene: EP300 (EP300 lysine acetyltransferase; plus strand). Cytogenetic location: 22q13.2.
Variant type: single nucleotide variant.
Coding change: c.716C>A on transcript NM_001429.4 (MANE Select); coding-DNA position 716, C replaced by A.
Protein change: p.Pro239His; replaces proline 239 with histidine.
Molecular consequence: missense variant.
Genome position (GRCh38, 1-based): chr22:41,117,808, C>A. VCF-style: chr22-41117808-C-A. GRCh37 (hg19) VCF-style: chr22-41513812-C-A.
Other names: c.716C>A, p.Pro239His (NM_001362843.2); short protein forms P239H.
Identifiers: ClinVar variation 5040365 (VCV005040365.1).

ClinVar aggregate classification (germline): Uncertain significance (1 of 4 stars; one submission).

Submission:

CeGaT Center for Human Genetics Tuebingen
Classification: Uncertain significance. Last evaluated: 2026-08-01. Review status: criteria provided, single submitter. Criteria: CeGaT Center For Human Genetics Tuebingen Variant Classification Criteria Version 2. Collection method: clinical testing. Allele origin: germline. Affected: yes. Observed: 1 variant allele.
Comment: EP300: PM2